The following is an entry in ClinVar:

ClinVar aggregate classification (germline): Likely benign. Review status: criteria provided, multiple submitters, no conflicts (2 of 4 stars). 2 submissions from 2 submitters: Likely benign (2). Last evaluated 2025-08-29.

Conditions:
Chromosome 2q32-q33 deletion syndrome (GLASS). Also called: Glass syndrome; 2q33.1 deletion syndrome. Identifiers: Orphanet 251019, MedGen C2676739, MONDO:0012864, OMIM 612313.
SATB2-related disorder. Also called: SATB2-related condition.

Allele frequency attached by ClinVar (database versions not stated): gnomAD exomes below 0.00001; TOPMed below 0.00001.
gnomAD v4.1: 1 of 1,613,958 alleles (0.000062%); highest among the groups gnomAD compares: Admixed American, 0.0017%; no homozygotes.

Submissions (2):

Labcorp Genetics (formerly Invitae), Labcorp
Classification: Likely benign for Chromosome 2q32-q33 deletion syndrome. Last evaluated: 2025-08-29. Review status: criteria provided, single submitter. Criteria: Invitae Variant Classification Sherloc (09022015). Collection method: clinical testing. Allele origin: germline.

PreventionGenetics, part of Exact Sciences
Classification: Likely benign for SATB2-related condition. Last evaluated: 2025-03-11. Review status: criteria provided, single submitter. Criteria: ACMG Guidelines, 2015. Collection method: clinical testing. Allele origin: germline.
Comment: This variant is classified as likely benign based on ACMG/AMP sequence variant interpretation guidelines (Richards et al. 2015 PMID: 25741868, with internal and published modifications).

NM_001172509.2(SATB2):c.540G>A (p.Lys180=)

Gene: SATB2 (SATB homeobox 2; minus strand). Cytogenetic location: 2q33.1.
Variant type: single nucleotide variant.
Coding change: c.540G>A on transcript NM_001172509.2 (MANE Select); coding-DNA position 540, G replaced by A.
Protein change: p.Lys180=; no amino-acid change (lysine 180 retained).
Molecular consequence: synonymous variant.
Genome position (GRCh38, 1-based): chr2:199,380,421, C>T on the plus strand (G>A on the coding strand, the complement: SATB2 is on the minus strand). VCF-style: chr2-199380421-C-T. GRCh37 (hg19) VCF-style: chr2-200245144-C-T.
Other names: c.540G>A, p.Lys180= (NM_001172517.1, NM_015265.4); c.540G>A (NM_015265.3).
Identifiers: ClinVar variation 1406349 (VCV001406349.9), dbSNP rs1459002785, ClinGen allele CA430767291.